The following is an entry in ClinVar:

ClinVar aggregate classification (germline): Uncertain significance (1 of 4 stars; one submission).

Conditions:
Charcot-Marie-Tooth disease axonal type 2F (CMT2F). Also called: CHARCOT-MARIE-TOOTH DISEASE, NEURONAL, TYPE 2F; Charcot-Marie-Tooth Neuropathy Type 2F. Identifiers: Orphanet 99940, MedGen C1847823, MONDO:0011687, OMIM 606595.

Submission:

Labcorp Genetics (formerly Invitae), Labcorp
Classification: Uncertain significance for Charcot-Marie-Tooth disease axonal type 2F. Last evaluated: 2021-08-03. Review status: criteria provided, single submitter. Criteria: Invitae Variant Classification Sherloc (09022015). Collection method: clinical testing. Allele origin: germline.
Comment: In summary, the available evidence is currently insufficient to determine the role of this variant in disease. Therefore, it has been classified as a Variant of Uncertain Significance. This variant has not been reported in the literature in individuals affected with HSPB1-related conditions. The frequency data for this variant in the population databases is not available, as this variant may be reported as separate entries in the ExAC database. This sequence change falls in intron 1 of the HSPB1 gene. It does not directly change the encoded amino acid sequence of the HSPB1 protein. Algorithms developed to predict the effect of sequence changes on RNA splicing suggest that this variant may disrupt the consensus splice site.

NM_001540.5(HSPB1):c.365-11_365-9delinsATA

Gene: HSPB1 (heat shock protein family B (small) member 1; plus strand). Cytogenetic location: 7q11.23.
Variant type: Indel.
Coding change: c.365-11_365-9delinsATA on transcript NM_001540.5 (MANE Select); 11 bases into the intron before coding-DNA position 365 through 9 bases into the intron before coding-DNA position 365, TCC replaced by ATA.
Molecular consequence: intron variant.
Genome position (GRCh38, 1-based): chr7:76,303,791-76,303,793, TCC replaced by ATA. VCF-style: chr7-76303791-TCC-ATA. GRCh37 (hg19) VCF-style: chr7-75933108-TCC-ATA.
Identifiers: ClinVar variation 1480147 (VCV001480147.6), dbSNP rs2117160979, ClinGen allele CA2573142365.
Genomic context (GRCh38, chr7:76,303,791, plus strand): 5'-GGGCCTCTGGCCTAGCGGGGCCGAAAGGCAGTCCCCTCCCCCGCAGTCTGATTTCCCTCT[TCC>ATA]CCCCAAAGGCAAGCACGAGGAGCGGCAGGACGAGCATGGCTACATCTCCCGGTGCTTCAC-3'